The following continues an entry in ClinVar:

NM_000257.4(MYH7):c.4259G>A (p.Arg1420Gln)

Gene: MYH7. ClinVar aggregate classification (germline): Pathogenic/Likely pathogenic. Pathogenic (2); Likely pathogenic (9).

Submissions 9 to 11 of 11:

Women's Health and Genetics/Laboratory Corporation of America, LabCorp
Classification: Pathogenic for Primary familial hypertrophic cardiomyopathy. Last evaluated: 2023-06-13. Review status: criteria provided, single submitter. Criteria: LabCorp Variant Classification Summary - May 2015. Collection method: clinical testing. Allele origin: germline.
Comment: Variant summary: MYH7 c.4259G>A (p.Arg1420Gln) results in a conservative amino acid change located in the myosin tail domain (IPR002928) of the encoded protein sequence. Four of five in-silico tools predict a damaging effect of the variant on protein function. The variant was absent in 251476 control chromosomes. c.4259G>A has been reported in the literature in many individuals affected with hypertrophic cardiomyopathy and in at least one individual with sudden unexplained death (e.g., Bartot_2011, Lopes_2015, Murphy_2016, Magri_2020, Wang_2014, Nakashima_2020, Larouchi_2017), indicating that this variant is very likely to be associated with disease. Additionally, other variants at the Arg1420 residue have been reported as associated with disease (e.g., p.Arg1420Trp), suggesting that this codon is functionally important. To our knowledge, no experimental evidence demonstrating an impact on protein function has been reported. The following publications have been ascertained in the context of this evaluation (PMID: 30731207, 27247418, 28449774, 32481709, 26914223, 32830170, 34542152, 29764897, 27532257, 30696458, 25132132, 25351510). Eight clinical diagnostic laboratories have submitted clinical-significance assessments for this variant to ClinVar after 2014. Six laboratories classified the variant as likely pathogenic, one classified it as pathogenic, and one classified it as a variant of uncertain significance. Based on the evidence outlined above, the variant was classified as pathogenic.

Laboratory for Molecular Medicine, Mass General Brigham Personalized Medicine
Classification: Likely pathogenic for Hypertrophic cardiomyopathy. Last evaluated: 2019-08-14. Review status: criteria provided, single submitter. Criteria: LMM Criteria. Collection method: clinical testing. Allele origin: germline. Observed: 4 variant alleles.
Comment: proposed classification - variant undergoing re-assessment, contact laboratory

CHEO Genetics Diagnostic Laboratory, Children's Hospital of Eastern Ontario
Classification: Likely pathogenic for Cardiomyopathy. Last evaluated: 2018-08-23. Review status: criteria provided, single submitter. Criteria: ACMG Guidelines, 2015. Collection method: clinical testing. Allele origin: germline.

Literature cited by the submitters: PubMed 40055852 (cited by Dasa); PubMed 39843441 (cited by Dasa); PubMed 39033325 (cited by Dasa); PubMed 37431535 (cited by Dasa); PubMed 37463608 (cited by Dasa); PubMed 33487615 (cited by 4 submitters); PubMed 32481709 (cited by 5 submitters); PubMed 30696458 (cited by Dasa and Women's Health and Genetics/Laboratory Corporation of America, LabCorp); PubMed 28449774 (cited by 7 submitters); PubMed 27532257 (cited by 7 submitters); PubMed 15358028 (cited by 4 submitters); PubMed 20624503 (cited by 3 submitters); PubMed 21817903 (cited by 6 submitters); PubMed 25132132 (cited by 5 submitters); PubMed 25351510 (cited by 6 submitters); PubMed 26914223 (cited by 6 submitters); PubMed 27247418 (cited by 5 submitters); PubMed 29764897 (cited by 3 submitters); PubMed 30847666 (cited by Ambry Genetics and All of Us Research Program, National Institutes of Health); PubMed 32830170 (cited by 3 submitters); PubMed 34542152 (cited by 3 submitters); PubMed 23283745 (cited by Labcorp Genetics (formerly Invitae), Labcorp); PubMed 33495597 (cited by Color Diagnostics, LLC DBA Color Health); PubMed 25611685 (cited by All of Us Research Program, National Institutes of Health); PubMed 33241513 (cited by All of Us Research Program, National Institutes of Health); PubMed 30731207 (cited by Women's Health and Genetics/Laboratory Corporation of America, LabCorp).